The following is an entry in ClinVar:

NM_005529.7(HSPG2):c.13147G>A (p.Gly4383Arg)

Genes: HSPG2 (heparan sulfate proteoglycan 2; minus strand), LDLRAD2 (low density lipoprotein receptor class A domain containing 2; plus strand). Cytogenetic location: 1p36.12.
Variant type: single nucleotide variant.
Coding change: c.13147G>A on transcript NM_005529.7 (MANE Select); coding-DNA position 13147, G replaced by A.
Protein change: p.Gly4383Arg; replaces glycine 4383 with arginine.
Molecular consequence: missense variant. On other transcripts: 3 prime UTR variant (1).
Genome position (GRCh38, 1-based): chr1:21,823,345, C>T on the plus strand (G>A on the coding strand, the complement: HSPG2 is on the minus strand). VCF-style: chr1-21823345-C-T. GRCh37 (hg19) VCF-style: chr1-22149838-C-T.
Other names: c.13150G>A, p.Gly4384Arg (NM_001291860.2); c.*1130C>T (NM_001013693.3); short protein forms G4383R, G4384R.
Identifiers: ClinVar variation 1424649 (VCV001424649.12), dbSNP rs554059442, ClinGen allele CA669115.

ClinVar aggregate classification (germline): Uncertain significance. Review status: criteria provided, multiple submitters, no conflicts (2 of 4 stars). 3 submissions from 3 submitters: Uncertain significance (3). Last evaluated 2023-11-21.

Conditions:
Lethal Kniest-like syndrome (DDSH). Also called: Dyssegmental Dysplasia. Identifiers: Orphanet 1865, MedGen C1857100, MONDO:0009140, OMIM 224410.
Schwartz-Jampel syndrome type 1 (SJS1). Also called: MYOTONIC MYOPATHY, DWARFISM, CHONDRODYSTROPHY, AND OCULAR AND FACIAL ABNORMALITIES; CHONDRODYSTROPHIC MYOTONIA. Identifiers: MedGen C4551479, MONDO:0100435, OMIM 255800.
Connective tissue disorder. Also called: Connective tissue disease. Identifiers: MedGen C0009782, MONDO:0003900.

Allele frequency attached by ClinVar (database versions not stated): TOPMed 0.00004; gnomAD exomes 0.00005; ExAC 0.00009; 1000 Genomes Project 0.00060; 1000 Genomes Project 30x 0.00062.
gnomAD v4.1: 41 of 1,542,780 alleles (0.0027%); highest among the groups gnomAD compares: East Asian, 0.058%; no homozygotes.

Submissions (3):

Labcorp Genetics (formerly Invitae), Labcorp
Classification: Uncertain significance. Last evaluated: 2023-11-21. Review status: criteria provided, single submitter. Criteria: Invitae Variant Classification Sherloc (09022015). Collection method: clinical testing. Allele origin: germline.
Comment: This sequence change replaces glycine, which is neutral and non-polar, with arginine, which is basic and polar, at codon 4383 of the HSPG2 protein (p.Gly4383Arg). This variant is present in population databases (rs554059442, gnomAD 0.04%). This variant has not been reported in the literature in individuals affected with HSPG2-related conditions. ClinVar contains an entry for this variant (Variation ID: 1424649). An algorithm developed to predict the effect of missense changes on protein structure and function (PolyPhen-2) suggests that this variant is likely to be disruptive. In summary, the available evidence is currently insufficient to determine the role of this variant in disease. Therefore, it has been classified as a Variant of Uncertain Significance.

Genome Diagnostics Laboratory, The Hospital for Sick Children
Classification: Uncertain significance for Connective tissue disorder. Last evaluated: 2020-05-01. Review status: criteria provided, single submitter. Criteria: ACMG Guidelines, 2015. Collection method: clinical testing. Allele origin: germline.

Juno Genomics, Hangzhou Juno Genomics, Inc
Classification: Uncertain significance for Lethal Kniest-like syndrome; Schwartz-Jampel syndrome type 1. Review status: criteria provided, single submitter. Criteria: ACMG Guidelines, 2015. Collection method: clinical testing. Allele origin: germline.
Comment: Absent from controls (or at extremely low frequency if recessive) in Genome Aggregation Database.;Missense variant in a gene that has a low rate of benign missense variation.